The following is an entry in ClinVar:

NM_001042492.3(NF1):c.4421_4424dup (p.Arg1476fs)

Gene: NF1 (neurofibromin 1; plus strand). Cytogenetic location: 17q11.2.
Variant type: Duplication.
Coding change: c.4421_4424dup on transcript NM_001042492.3 (MANE Select); coding-DNA positions 4421 to 4424, 4 bases duplicated (CAGC; older notation c.4421_4424dupCAGC).
Protein change: p.Arg1476fs; shifts the reading frame from arginine 1476.
Molecular consequence: frameshift variant.
Genome position (GRCh38, 1-based): chr17:31,259,120-31,259,123, CAGC duplicated. VCF-style (leftmost placement, unchanged base first): chr17-31259119-G-GCAGC. GRCh37 (hg19) VCF-style: chr17-29586137-G-GCAGC.
Other names: c.4358_4361dup, p.Arg1455Serfs (NM_000267.4); short protein forms R1476fs, R1455fs.
Identifiers: ClinVar variation 3640545 (VCV003640545.2).
Genomic context (GRCh38, chr17:31,259,119, plus strand): 5'-CTCTTCACAAAAGAAGAACATATGCGGCCTTTCAATGATTTTGTGAAAAGCAACTTTGAT[G>GCAGC]CAGCACGCAGGTAATTTTCTTGCCACTTACTCAGTTGCTCTGTTTGAATCAAATATTTTC-3'

ClinVar aggregate classification (germline): Pathogenic (1 of 4 stars; one submission).

Conditions:
Neurofibromatosis, type 1 (NF1). Also called: VON RECKLINGHAUSEN DISEASE; Peripheral type neurofibromatosis; NEUROFIBROMATOSIS, TYPE I, SOMATIC; Neurofibromatosis, type I. Identifiers: Orphanet 636, MedGen C0027831, MONDO:0018975, OMIM 162200. Disease mechanism: loss of function.

Submission:

Labcorp Genetics (formerly Invitae), Labcorp
Classification: Pathogenic for Neurofibromatosis, type 1. Last evaluated: 2024-02-13. Review status: criteria provided, single submitter. Criteria: Invitae Variant Classification Sherloc (09022015). Collection method: clinical testing. Allele origin: germline.
Comment: This sequence change creates a premature translational stop signal (p.Arg1455Serfs*7) in the NF1 gene. It is expected to result in an absent or disrupted protein product. Loss-of-function variants in NF1 are known to be pathogenic (PMID: 10712197, 23913538). This variant is not present in population databases (gnomAD no frequency). This variant has not been reported in the literature in individuals affected with NF1-related conditions. For these reasons, this variant has been classified as Pathogenic.

Literature cited by the submitters: PubMed 10712197; PubMed 23913538.